The following is an entry in ClinVar:

ClinVar aggregate classification (germline): Uncertain significance (1 of 4 stars; one submission).

Allele frequency attached by ClinVar (database versions not stated): gnomAD exomes 0.00001.
gnomAD v4.1: 125 of 1,538,734 alleles (0.0081%); highest among the groups gnomAD compares: Non-Finnish European, 0.011%; no homozygotes.

Submission:

Labcorp Genetics (formerly Invitae), Labcorp
Classification: Uncertain significance. Last evaluated: 2024-10-06. Review status: criteria provided, single submitter. Criteria: Invitae Variant Classification Sherloc (09022015). Collection method: clinical testing. Allele origin: germline.
Comment: This sequence change replaces glutamic acid, which is acidic and polar, with aspartic acid, which is acidic and polar, at codon 1119 of the GRIN2D protein (p.Glu1119Asp). This variant is present in population databases (no rsID available, gnomAD 0.001%). This variant has not been reported in the literature in individuals affected with GRIN2D-related conditions. ClinVar contains an entry for this variant (Variation ID: 1484914). Invitae Evidence Modeling of protein sequence and biophysical properties (such as structural, functional, and spatial information, amino acid conservation, physicochemical variation, residue mobility, and thermodynamic stability) indicates that this missense variant is not expected to disrupt GRIN2D protein function with a negative predictive value of 95%. In summary, the available evidence is currently insufficient to determine the role of this variant in disease. Therefore, it has been classified as a Variant of Uncertain Significance.

NM_000836.4(GRIN2D):c.3357G>C (p.Glu1119Asp)

Gene: GRIN2D (glutamate ionotropic receptor NMDA type subunit 2D; plus strand). Cytogenetic location: 19q13.33.
Variant type: single nucleotide variant.
Coding change: c.3357G>C on transcript NM_000836.4 (MANE Select); coding-DNA position 3357, G replaced by C.
Protein change: p.Glu1119Asp; replaces glutamic acid 1119 with aspartic acid.
Molecular consequence: missense variant.
Genome position (GRCh38, 1-based): chr19:48,443,283, G>C. VCF-style: chr19-48443283-G-C. GRCh37 (hg19) VCF-style: chr19-48946540-G-C.
Other names: short protein forms E1119D.
Identifiers: ClinVar variation 1484914 (VCV001484914.6), dbSNP rs1051856931, ClinGen allele CA406675797.